The following is an entry in ClinVar:

ClinVar aggregate classification (germline): Uncertain significance (1 of 4 stars; one submission).

Conditions:
Hereditary diffuse gastric adenocarcinoma (HDGC). Also called: DIFFUSE GASTRIC AND LOBULAR BREAST CANCER SYNDROME. Identifiers: Orphanet 26106, MedGen C1708349, MONDO:0007648, OMIM 137215.

Submission:

Labcorp Genetics (formerly Invitae), Labcorp
Classification: Uncertain significance for Hereditary diffuse gastric adenocarcinoma. Last evaluated: 2022-12-06. Review status: criteria provided, single submitter. Criteria: Invitae Variant Classification Sherloc (09022015). Collection method: clinical testing. Allele origin: germline.
Comment: This sequence change replaces asparagine, which is neutral and polar, with lysine, which is basic and polar, at codon 181 of the CDH1 protein (p.Asn181Lys). This variant is not present in population databases (gnomAD no frequency). This variant has not been reported in the literature in individuals affected with CDH1-related conditions. ClinVar contains an entry for this variant (Variation ID: 1525084). In summary, the available evidence is currently insufficient to determine the role of this variant in disease. Therefore, it has been classified as a Variant of Uncertain Significance. Algorithms developed to predict the effect of missense changes on protein structure and function are either unavailable or do not agree on the potential impact of this missense change (SIFT: "Deleterious"; PolyPhen-2: "Probably Damaging"; Align-GVGD: "Class C15").

NM_004360.5(CDH1):c.543C>G (p.Asn181Lys)

Gene: CDH1 (cadherin 1; plus strand). Cytogenetic location: 16q22.1.
Variant type: single nucleotide variant.
Coding change: c.543C>G on transcript NM_004360.5 (MANE Select); coding-DNA position 543, C replaced by G.
Protein change: p.Asn181Lys; replaces asparagine 181 with lysine.
Molecular consequence: missense variant. On other transcripts: 5 prime UTR variant (2).
Genome position (GRCh38, 1-based): chr16:68,808,704, C>G. VCF-style: chr16-68808704-C-G. GRCh37 (hg19) VCF-style: chr16-68842607-C-G.
Other names: c.543C>G, p.Asn181Lys (NM_001317184.2); c.-1073C>G (NM_001317185.2); c.-1277C>G (NM_001317186.2); short protein forms N181K.
Identifiers: ClinVar variation 1525084 (VCV001525084.8), dbSNP rs2152130057, ClinGen allele CA396457863.
Genomic context (GRCh38, chr16:68,808,704, plus strand): 5'-GTGTTGGGATCCTTCTTTACTAATTCTTTTTCTTTCATTTTGTCTTCAGATCAAATCCAA[C>G]AAAGACAAAGAAGGCAAGGTTTTCTACAGCATCACTGGCCAAGGAGCTGACACACCCCCT-3'
Protein context (NP_004351.1, residues 171-191): FPKNLVQIKS[Asn181Lys]KDKEGKVFYS